The following is an entry in ClinVar:

NM_033004.4(NLRP1):c.202G>A (p.Asp68Asn)

Gene: NLRP1 (NLR family pyrin domain containing 1; minus strand). Cytogenetic location: 17p13.2.
Variant type: single nucleotide variant.
Coding change: c.202G>A on transcript NM_033004.4 (MANE Select); coding-DNA position 202, G replaced by A.
Protein change: p.Asp68Asn; replaces aspartic acid 68 with asparagine.
Molecular consequence: missense variant.
Genome position (GRCh38, 1-based): chr17:5,583,756, C>T on the plus strand (G>A on the coding strand, the complement: NLRP1 is on the minus strand). VCF-style: chr17-5583756-C-T. GRCh37 (hg19) VCF-style: chr17-5487076-C-T.
Other names: c.202G>A, p.Asp68Asn (NM_001033053.3, NM_014922.5, NM_033006.4 and 1 more transcripts); short protein forms D68N.
Identifiers: ClinVar variation 4292163 (VCV004292163.1).

ClinVar aggregate classification (germline): Uncertain significance (1 of 4 stars; one submission).

Conditions:
Autoinflammation with arthritis and dyskeratosis (AIADK). Identifiers: MedGen C4479278, MONDO:0060457, OMIM 617388.

Submission:

3billion
Classification: Uncertain significance for Autoinflammation with arthritis and dyskeratosis. Last evaluated: 2024-11-06. Review status: criteria provided, single submitter. Criteria: ACMG Guidelines, 2015. Collection method: clinical testing. Allele origin: germline. Affected: yes.
Comment: The variant is not observed in the gnomAD v4.1.0 dataset. Predicted Consequence/Location: Missense variant. Missense changes are a common disease-causing mechanism. In silico tool predictions suggest no damaging effect of the variant on gene or gene product [REVEL: 0.13 (<0.4); 3Cnet: 0.11 (<0.15, specificity 0.78 and negative predictive value 0.92)]. Different missense changes at the same codon have been reported as of uncertain significance (ClinVar ID: VCV002748218). Therefore, this variant is classified as VUS according to the recommendation of ACMG/AMP guideline.